The following is an entry in ClinVar:

NM_006648.4(WNK2):c.4925C>T (p.Ser1642Leu)

Gene: WNK2 (WNK lysine deficient protein kinase 2; plus strand). Cytogenetic location: 9q22.31.
Variant type: single nucleotide variant.
Coding change: c.4925C>T on transcript NM_006648.4 (MANE Select); coding-DNA position 4925, C replaced by T.
Protein change: p.Ser1642Leu; replaces serine 1642 with leucine.
Molecular consequence: missense variant.
Genome position (GRCh38, 1-based): chr9:93,290,036, C>T. VCF-style: chr9-93290036-C-T. GRCh37 (hg19) VCF-style: chr9-96052318-C-T.
Other names: c.5036C>T, p.Ser1679Leu (NM_001282394.3); short protein forms S1642L, S1679L.
Identifiers: ClinVar variation 3981800 (VCV003981800.1).

ClinVar aggregate classification (germline): Uncertain significance (1 of 4 stars; one submission).

gnomAD v4.1: 1 of 1,572,752 alleles (0.000064%); highest among the groups gnomAD compares: South Asian, 0.0012%; no homozygotes.

Submission:

Ambry Genetics
Classification: Uncertain significance. Last evaluated: 2025-04-04. Review status: criteria provided, single submitter. Criteria: Ambry Variant Classification Scheme 2023. Collection method: clinical testing. Allele origin: germline.
Comment: The p.S1642L variant (also known as c.4925C>T), located in coding exon 20 of the WNK2 gene, results from a C to T substitution at nucleotide position 4925. The serine at codon 1642 is replaced by leucine, an amino acid with dissimilar properties. This amino acid position is conserved. In addition, this alteration is predicted to be tolerated by in silico analysis. Based on the available evidence, the clinical significance of this variant remains unclear.